The following is an entry in ClinVar:

NM_031485.4(GRWD1):c.224A>G (p.His75Arg)

Gene: GRWD1 (glutamate rich WD repeat containing 1; plus strand). Cytogenetic location: 19q13.33.
Variant type: single nucleotide variant.
Coding change: c.224A>G on transcript NM_031485.4 (MANE Select); coding-DNA position 224, A replaced by G.
Protein change: p.His75Arg; replaces histidine 75 with arginine.
Molecular consequence: missense variant.
Genome position (GRCh38, 1-based): chr19:48,446,421, A>G. VCF-style: chr19-48446421-A-G. GRCh37 (hg19) VCF-style: chr19-48949678-A-G.
Other names: short protein forms H75R.
Identifiers: ClinVar variation 3039353 (VCV003039353.2), dbSNP rs138505126, ClinGen allele CA9550964.
Genomic context (GRCh38, chr19:48,446,421, plus strand): 5'-GTAAACCCCGCCTTCCATCCCCAGGCGCCCCCTGTCTCAGCTTTGACATAGTCCGGGATC[A>G]CCTGGGAGACAACCGGACAGAGCTTCCTCTTACACTTTACTTGTGTGCTGGGACCCAGGC-3'
Protein context (NP_113673.3, residues 65-85): PCLSFDIVRD[His75Arg]LGDNRTELPL

ClinVar aggregate classification (germline): Likely benign (0 of 4 stars; one submission).

Conditions:
GRWD1-related disorder. Also called: GRWD1-related condition.

Allele frequency attached by ClinVar (database versions not stated): 1000 Genomes Project 30x 0.00078; gnomAD 0.00086; ExAC 0.00093; 1000 Genomes Project 0.00100; TOPMed 0.00103; gnomAD exomes 0.00117; ESP Exome Variant Server 0.00169.
gnomAD v4.1: 1,833 of 1,614,156 alleles (0.11%); highest among the groups gnomAD compares: Non-Finnish European, 0.14%; 1 homozygote.

Submission:

PreventionGenetics, part of Exact Sciences
Classification: Likely benign for GRWD1-related condition. Last evaluated: 2022-11-30. Review status: no assertion criteria provided. Collection method: clinical testing. Allele origin: germline.
Comment: This variant is classified as likely benign based on ACMG/AMP sequence variant interpretation guidelines (Richards et al. 2015 PMID: 25741868, with internal and published modifications).